The following is an entry in ClinVar:

NM_003136.4(SRP54):c.835A>G (p.Ile279Val)

Gene: SRP54 (signal recognition particle 54; plus strand). Cytogenetic location: 14q13.2.
Variant type: single nucleotide variant.
Coding change: c.835A>G on transcript NM_003136.4 (MANE Select); coding-DNA position 835, A replaced by G.
Protein change: p.Ile279Val; replaces isoleucine 279 with valine.
Molecular consequence: missense variant.
Genome position (GRCh38, 1-based): chr14:35,013,851, A>G. VCF-style: chr14-35013851-A-G. GRCh37 (hg19) VCF-style: chr14-35483057-A-G.
Other names: c.688A>G, p.Ile230Val (NM_001146282.2); c.835A>G, p.Ile279Val (NM_001411017.1); short protein forms I230V, I279V.
Identifiers: ClinVar variation 1973141 (VCV001973141.5), dbSNP rs768022021, ClinGen allele CA7153695.
Genomic context (GRCh38, chr14:35,013,851, plus strand): 5'-TTTTTTTCCAGAGTCGCTGCCACAAAAAGTCCGATTATTTTCATTGGTACAGGGGAACAT[A>G]TAGATGACTTTGAACCTTTCAAAACACAGCCTTTTATTAGCAAACTTCTTGGTATGTACA-3'
Protein context (NP_003127.1, residues 269-289): PIIFIGTGEH[Ile279Val]DDFEPFKTQP

ClinVar aggregate classification (germline): Uncertain significance (1 of 4 stars; one submission).

Allele frequency attached by ClinVar (database versions not stated): ExAC 0.00002; gnomAD 0.00002; TOPMed 0.00002.
gnomAD v4.1: 21 of 1,613,958 alleles (0.0013%); highest among the groups gnomAD compares: Admixed American, 0.01%; no homozygotes.

Submission:

Labcorp Genetics (formerly Invitae), Labcorp
Classification: Uncertain significance. Last evaluated: 2026-01-03. Review status: criteria provided, single submitter. Criteria: Invitae Variant Classification Sherloc (09022015). Collection method: clinical testing. Allele origin: germline.
Comment: This sequence change replaces isoleucine, which is neutral and non-polar, with valine, which is neutral and non-polar, at codon 279 of the SRP54 protein (p.Ile279Val). This variant is present in population databases (rs768022021, gnomAD 0.009%). This variant has not been reported in the literature in individuals affected with SRP54-related conditions. ClinVar contains an entry for this variant (Variation ID: 1973141). Invitae Evidence Modeling of protein sequence and biophysical properties (such as structural, functional, and spatial information, amino acid conservation, physicochemical variation, residue mobility, and thermodynamic stability) indicates that this missense variant is not expected to disrupt SRP54 protein function with a negative predictive value of 80%. In summary, the available evidence is currently insufficient to determine the role of this variant in disease. Therefore, it has been classified as a Variant of Uncertain Significance.